The following is an entry in ClinVar:

ClinVar aggregate classification (germline): Pathogenic (1 of 4 stars; one submission).

Conditions:
Bardet-Biedl syndrome (BBS). Identifiers: Orphanet 110, MedGen C0752166, MONDO:0015229.

Submission:

Labcorp Genetics (formerly Invitae), Labcorp
Classification: Pathogenic for Bardet-Biedl syndrome. Last evaluated: 2024-02-01. Review status: criteria provided, single submitter. Criteria: Invitae Variant Classification Sherloc (09022015). Collection method: clinical testing. Allele origin: germline.
Comment: This sequence change creates a premature translational stop signal (p.Gln11*) in the BBS4 gene. It is expected to result in an absent or disrupted protein product. Loss-of-function variants in BBS4 are known to be pathogenic (PMID: 11381270, 12016587, 20177705, 27894351). This variant is not present in population databases (gnomAD no frequency). This premature translational stop signal has been observed in individual(s) with Bardet-Biedl syndrome (PMID: 33777945). Algorithms developed to predict the effect of sequence changes on RNA splicing suggest that this variant may disrupt the consensus splice site. For these reasons, this variant has been classified as Pathogenic.

Literature cited by the submitters: PubMed 11381270; PubMed 12016587; PubMed 20177705; PubMed 27894351; PubMed 33777945.

NM_033028.5(BBS4):c.31C>T (p.Gln11Ter)

Gene: BBS4 (Bardet-Biedl syndrome 4; plus strand). Cytogenetic location: 15q24.1.
Variant type: single nucleotide variant.
Coding change: c.31C>T on transcript NM_033028.5 (MANE Select); coding-DNA position 31, C replaced by T.
Protein change: p.Gln11Ter; replaces glutamine 11 with a stop codon.
Molecular consequence: nonsense. On other transcripts: non-coding transcript variant (2), intron variant (1).
Genome position (GRCh38, 1-based): chr15:72,695,183, C>T. VCF-style: chr15-72695183-C-T. GRCh37 (hg19) VCF-style: chr15-72987524-C-T.
Other names: c.31C>T, p.Gln11Ter (NM_001320665.2); c.-446+8932C>T (NM_001252678.2); short protein forms Q11*.
Identifiers: ClinVar variation 2680053 (VCV002680053.5), dbSNP rs1040144478, ClinGen allele CA393075497.